The following is an entry in ClinVar:

NM_004415.4(DSP):c.1903+3del

Gene: DSP (desmoplakin; plus strand). Cytogenetic location: 6p24.3.
Variant type: Deletion.
Coding change: c.1903+3del on transcript NM_004415.4 (MANE Select); 3 bases into the intron after coding-DNA position 1903, one base deleted (C; older notation c.1903+3delC).
Molecular consequence: intron variant.
Genome position (GRCh38, 1-based): chr6:7,571,587, C deleted. VCF-style (leftmost placement, unchanged base first): chr6-7571586-TC-T. GRCh37 (hg19) VCF-style: chr6-7571819-TC-T.
Other names: c.1903+3del (NM_001319034.2, NM_001008844.3, LRG_423t1 and 1 more transcripts).
Identifiers: ClinVar variation 418951 (VCV000418951.14), dbSNP rs1064793548, ClinGen allele CA16618320.

ClinVar aggregate classification (germline): Conflicting classifications of pathogenicity. Review status: criteria provided, conflicting classifications (1 of 4 stars). 4 submissions from 4 submitters: Uncertain significance (3); Likely benign (1). Last evaluated 2025-12-13.

Conditions:
Cardiovascular phenotype. Identifiers: MedGen CN230736.
Cardiomyopathy (CMYO). Also called: Cardiomyopathies. Identifiers: Orphanet 167848, MedGen C0878544, MONDO:0004994, HP:0001638. Inheritance: Various modes of inheritance.
Arrhythmogenic cardiomyopathy with wooly hair and keratoderma. Also called: Carvajal syndrome; PALMOPLANTAR KERATODERMA WITH LEFT VENTRICULAR CARDIOMYOPATHY AND WOOLLY HAIR; Arrhythmogenic cardiomyopathy with woolly hair and keratoderma; Dilated cardiomyopathy with woolly hair and keratoderma. Identifiers: Orphanet 65282, MedGen C1854063, MONDO:0011581, OMIM 605676.
Arrhythmogenic right ventricular dysplasia 8 (ARVD8). Also called: Arrhythmogenic Right Ventricular Dysplasia/Cardiomyopathy 8; ARRHYTHMOGENIC RIGHT VENTRICULAR DYSPLASIA, FAMILIAL, 8; ARRHYTHMOGENIC RIGHT VENTRICULAR CARDIOMYOPATHY 8. Identifiers: MedGen C1843896, MONDO:0011831, OMIM 607450.

Allele frequency attached by ClinVar (database versions not stated): gnomAD exomes below 0.00001.

Submissions (4):

Labcorp Genetics (formerly Invitae), Labcorp
Classification: Uncertain significance for Arrhythmogenic cardiomyopathy with wooly hair and keratoderma; Arrhythmogenic right ventricular dysplasia 8. Last evaluated: 2025-12-13. Review status: criteria provided, single submitter. Criteria: Invitae Variant Classification Sherloc (09022015). Collection method: clinical testing. Allele origin: germline.
Comment: This sequence change falls in intron 14 of the DSP gene. It does not directly change the encoded amino acid sequence of the DSP protein. It affects a nucleotide within the consensus splice site. This variant is not present in population databases (gnomAD no frequency). This variant has not been reported in the literature in individuals affected with DSP-related conditions. ClinVar contains an entry for this variant (Variation ID: 418951). Variants that disrupt the consensus splice site are a relatively common cause of aberrant splicing (PMID: 17576681, 9536098). Algorithms developed to predict the effect of sequence changes on RNA splicing suggest that this variant is not likely to affect RNA splicing. In summary, the available evidence is currently insufficient to determine the role of this variant in disease. Therefore, it has been classified as a Variant of Uncertain Significance.

Ambry Genetics
Classification: Uncertain significance for Cardiovascular phenotype. Last evaluated: 2024-05-21. Review status: criteria provided, single submitter. Criteria: Ambry Variant Classification Scheme 2023. Collection method: clinical testing. Allele origin: germline.
Comment: The c.1903+3delC intronic variant, located in intron 14 of the DSP gene, results from a deletion of one nucleotide within intron 14 of the DSP gene. This nucleotide position is poorly conserved in available vertebrate species. In silico splice site analysis predicts that this alteration will not have any significant effect on splicing. Based on the available evidence, the clinical significance of this variant remains unclear.

Color Diagnostics, LLC DBA Color Health
Classification: Uncertain significance for Cardiomyopathy. Last evaluated: 2023-10-10. Review status: criteria provided, single submitter. Criteria: ACMG Guidelines, 2015. Collection method: clinical testing. Allele origin: germline.
Comment: This variant causes deletion of one nucleotide in intron 14 of the DSP gene. Splice prediction tools are inconclusive regarding the impact of this variant on RNA splicing. To our knowledge, functional studies have not been reported for this variant. This variant has not been reported in individuals affected with DSP-related disorders in the literature. This variant has not been identified in the general population by the Genome Aggregation Database (gnomAD). The available evidence is insufficient to determine the role of this variant in disease conclusively. Therefore, this variant is classified as a Variant of Uncertain Significance.

GeneDx
Classification: Likely benign. Last evaluated: 2016-11-23. Review status: criteria provided, single submitter. Criteria: GeneDx Variant Classification (06012015). Collection method: clinical testing. Allele origin: germline. Affected: yes.
Comment: This variant is considered likely benign or benign based on one or more of the following criteria: it is a conservative change, it occurs at a poorly conserved position in the protein, it is predicted to be benign by multiple in silico algorithms, and/or has population frequency not consistent with disease.

Literature cited by the submitters: PubMed 17576681 (cited by Labcorp Genetics (formerly Invitae), Labcorp); PubMed 9536098 (cited by Labcorp Genetics (formerly Invitae), Labcorp).